The following is an entry in ClinVar:

NM_001943.5(DSG2):c.2440T>C (p.Cys814Arg)

Genes: DSG2 (desmoglein 2; plus strand), DSG2-AS1 (DSG2 antisense RNA 1; minus strand). Cytogenetic location: 18q12.1.
Variant type: single nucleotide variant.
Coding change: c.2440T>C on transcript NM_001943.5 (MANE Select); coding-DNA position 2440, T replaced by C.
Protein change: p.Cys814Arg; replaces cysteine 814 with arginine.
Molecular consequence: missense variant. On other transcripts: non-coding transcript variant (1).
Genome position (GRCh38, 1-based): chr18:31,545,826, T>C. VCF-style: chr18-31545826-T-C. GRCh37 (hg19) VCF-style: chr18-29125789-T-C.
Other names: short protein forms C814R.
Identifiers: ClinVar variation 4843915 (VCV004843915.1).

ClinVar aggregate classification (germline): Uncertain significance (1 of 4 stars; one submission).

Conditions:
Cardiovascular phenotype. Identifiers: MedGen CN230736.

gnomAD v4.1: 1 of 1,614,088 alleles (0.000062%); highest among the groups gnomAD compares: South Asian, 0.0011%; no homozygotes.

Submission:

Ambry Genetics
Classification: Uncertain significance for Cardiovascular phenotype. Last evaluated: 2026-02-19. Review status: criteria provided, single submitter. Criteria: Ambry Variant Classification Scheme 2023. Collection method: clinical testing. Allele origin: germline.
Comment: The p.C814R variant (also known as c.2440T>C), located in coding exon 15 of the DSG2 gene, results from a T to C substitution at nucleotide position 2440. The cysteine at codon 814 is replaced by arginine, an amino acid with highly dissimilar properties. This variant was reported in individual(s) with features consistent with cardiomyopathy (Campuzano O et al. EBioMedicine, 2020 Apr;54:102732; Alcalde M et al. PLoS One, 2014 Jun;9:e100560). This amino acid position is highly conserved in available vertebrate species. In addition, this alteration is predicted to be deleterious by in silico analysis. Based on the available evidence, the clinical significance of this variant remains unclear.

Literature cited by the submitters: PubMed 24967631; PubMed 32268277.